The following is an entry in ClinVar:

ClinVar aggregate classification (germline): Likely benign. Review status: criteria provided, multiple submitters, no conflicts (2 of 4 stars). 5 submissions from 5 submitters: Likely benign (4). 1 of the submissions does not count toward it. Last evaluated 2026-07-01.

Conditions:
Autosomal dominant Parkinson disease 8. Also called: Parkinson disease 8, susceptibility to; LRRK2-Related Parkinson Disease; Parkinson disease 8. Identifiers: Orphanet 411602, MedGen C1846862, MONDO:0011764, OMIM 607060.
LRRK2-related disorder. Also called: LRRK2-related condition.
Inborn genetic diseases. Identifiers: MedGen C0950123, MeSH D030342.

Allele frequency attached by ClinVar (database versions not stated): TOPMed 0.00007; gnomAD exomes 0.00003 and 0.00006; ExAC 0.00006; gnomAD 0.00007.
gnomAD v4.1: 59 of 1,613,182 alleles (0.0037%); highest among the groups gnomAD compares: Middle Eastern, 0.016%; no homozygotes.

Submissions (5):

CeGaT Center for Human Genetics Tuebingen
Classification: Likely benign. Last evaluated: 2026-07-01. Review status: criteria provided, single submitter. Criteria: CeGaT Center For Human Genetics Tuebingen Variant Classification Criteria Version 2. Collection method: clinical testing. Allele origin: germline. Affected: yes. Observed: 1 variant allele.
Comment: LRRK2: BP4, BP7

Blueprint Genetics
Classification: Likely benign. Last evaluated: 2024-11-25. Review status: criteria provided, single submitter. Criteria: ACMG Guidelines, 2015. Collection method: clinical testing. Allele origin: germline.

Labcorp Genetics (formerly Invitae), Labcorp
Classification: Likely benign for Autosomal dominant Parkinson disease 8. Last evaluated: 2024-08-19. Review status: criteria provided, single submitter. Criteria: Invitae Variant Classification Sherloc (09022015). Collection method: clinical testing. Allele origin: germline.

Ambry Genetics
Classification: Likely benign for Inborn genetic diseases. Last evaluated: 2022-03-16. Review status: criteria provided, single submitter. Criteria: Ambry Variant Classification Scheme 2023. Collection method: clinical testing. Allele origin: germline.

PreventionGenetics, part of Exact Sciences
Classification: Likely benign for LRRK2-related condition. Last evaluated: 2019-06-12. Review status: no assertion criteria provided. Collection method: clinical testing. Allele origin: germline. Not counted in ClinVar's aggregate classification.
Comment: This variant is classified as likely benign based on ACMG/AMP sequence variant interpretation guidelines (Richards et al. 2015 PMID: 25741868, with internal and published modifications).

NM_198578.4(LRRK2):c.5178A>G (p.Ala1726=)

Gene: LRRK2 (leucine rich repeat kinase 2; plus strand). Cytogenetic location: 12q12.
Variant type: single nucleotide variant.
Coding change: c.5178A>G on transcript NM_198578.4 (MANE Select); coding-DNA position 5178, A replaced by G.
Protein change: p.Ala1726=; no amino-acid change (alanine 1726 retained).
Molecular consequence: synonymous variant.
Genome position (GRCh38, 1-based): chr12:40,322,042, A>G. VCF-style: chr12-40322042-A-G. GRCh37 (hg19) VCF-style: chr12-40715844-A-G.
Identifiers: ClinVar variation 1595646 (VCV001595646.14), dbSNP rs200185983, ClinGen allele CA6514391.